The following is an entry in ClinVar:

NM_153717.3(EVC):c.1907A>C (p.Gln636Pro)

Gene: EVC (EvC ciliary complex subunit 1; plus strand). Cytogenetic location: 4p16.2.
Variant type: single nucleotide variant.
Coding change: c.1907A>C on transcript NM_153717.3 (MANE Select); coding-DNA position 1907, A replaced by C.
Protein change: p.Gln636Pro; replaces glutamine 636 with proline.
Molecular consequence: missense variant.
Genome position (GRCh38, 1-based): chr4:5,797,042, A>C. VCF-style: chr4-5797042-A-C. GRCh37 (hg19) VCF-style: chr4-5798769-A-C.
Other names: c.1907A>C, p.Gln636Pro (NM_001306090.2); short protein forms Q636P.
Identifiers: ClinVar variation 4887252 (VCV004887252.1).

ClinVar aggregate classification (germline): Uncertain significance (1 of 4 stars; one submission).

gnomAD v4.1: 56 of 1,613,080 alleles (0.0035%); highest among the groups gnomAD compares: Admixed American, 0.093%; 1 homozygote.

Submission:

Women's Health and Genetics/Laboratory Corporation of America, LabCorp
Classification: Uncertain significance. Last evaluated: 2026-06-15. Review status: criteria provided, single submitter. Criteria: LabCorp Variant Classification Summary - May 2015. Collection method: clinical testing. Allele origin: germline.
Comment: Variant summary: EVC c.1907A>C (p.Gln636Pro) results in a non-conservative amino acid change in the encoded protein sequence. Algorithms developed to predict the effect of missense changes on protein structure and function are either unavailable or do not agree on the potential impact of this missense change. The variant allele was found at a frequency of 6.9e-05 in 248098 control chromosomes. This frequency is not significantly higher than estimated for disease-causing variants in EVC, allowing no conclusion about variant significance. To our knowledge, no occurrence of c.1907A>C in individuals affected with EVC-related conditions and no experimental evidence demonstrating its impact on protein function have been reported. No submitters have cited clinical-significance assessments for this variant to ClinVar. Based on the evidence outlined above, the variant was classified as uncertain significance.